The following is an entry in ClinVar:

ClinVar aggregate classification (germline): Uncertain significance (1 of 4 stars; one submission).

Submission:

GeneDx
Classification: Uncertain significance. Last evaluated: 2026-02-18. Review status: criteria provided, single submitter. Criteria: GeneDx Variant Classification Process June 2021. Collection method: clinical testing. Allele origin: germline.
Comment: Not observed at significant frequency in large population cohorts (gnomAD); In silico analysis supports that this missense variant has a deleterious effect on protein structure/function; Has not been previously published as pathogenic or benign to our knowledge

NM_001397406.1(FDX2):c.259G>T (p.Gly87Trp)

Genes: FDX2 (ferredoxin 2; minus strand), FDX2-ZGLP1 (FDX2-ZGLP1 readthrough (NMD candidate); minus strand). Cytogenetic location: 19p13.2.
Variant type: single nucleotide variant.
Coding change: c.259G>T on transcript NM_001397406.1 (MANE Select); coding-DNA position 259, G replaced by T.
Protein change: p.Gly87Trp; replaces glycine 87 with tryptophan.
Molecular consequence: missense variant. On other transcripts: non-coding transcript variant (2).
Genome position (GRCh38, 1-based): chr19:10,315,434, C>A on the plus strand (G>T on the coding strand, the complement: FDX2 is on the minus strand). VCF-style: chr19-10315434-C-A. GRCh37 (hg19) VCF-style: chr19-10426110-C-A.
Other names: c.268G>T (NM_001031734.3); short protein forms G87W.
Identifiers: ClinVar variation 5009605 (VCV005009605.1).